The following is an entry in ClinVar:

ClinVar aggregate classification (germline): Uncertain significance (1 of 4 stars; one submission).

Conditions:
Immunodeficiency. Identifiers: MedGen C0021051, MONDO:0021094, HP:0002721.

Allele frequency attached by ClinVar (database versions not stated): gnomAD exomes below 0.00001.
gnomAD v4.1: 1 of 1,613,994 alleles (0.000062%); highest among the groups gnomAD compares: Non-Finnish European, 0.000085%; no homozygotes.

Submission:

Labcorp Genetics (formerly Invitae), Labcorp
Classification: Uncertain significance for Immunodeficiency. Last evaluated: 2022-06-07. Review status: criteria provided, single submitter. Criteria: Invitae Variant Classification Sherloc (09022015). Collection method: clinical testing. Allele origin: germline.
Comment: Algorithms developed to predict the effect of missense changes on protein structure and function (SIFT, PolyPhen-2, Align-GVGD) all suggest that this variant is likely to be disruptive. In summary, the available evidence is currently insufficient to determine the role of this variant in disease. Therefore, it has been classified as a Variant of Uncertain Significance. This sequence change replaces cysteine, which is neutral and slightly polar, with arginine, which is basic and polar, at codon 271 of the NFAT5 protein (p.Cys271Arg). This variant is not present in population databases (gnomAD no frequency). This variant has not been reported in the literature in individuals affected with NFAT5-related conditions.

NM_138713.4(NFAT5):c.1093T>C (p.Cys365Arg)

Gene: NFAT5 (nuclear factor of activated T cells 5; plus strand). Cytogenetic location: 16q22.1.
Variant type: single nucleotide variant.
Coding change: c.1093T>C on transcript NM_138713.4 (MANE Select); coding-DNA position 1093, T replaced by C.
Protein change: p.Cys365Arg; replaces cysteine 365 with arginine.
Molecular consequence: missense variant.
Genome position (GRCh38, 1-based): chr16:69,655,696, T>C. VCF-style: chr16-69655696-T-C. GRCh37 (hg19) VCF-style: chr16-69689599-T-C.
Other names: c.1093T>C, p.Cys365Arg (NM_001113178.3); c.421T>C, p.Cys141Arg (NM_001367709.1); c.1039T>C, p.Cys347Arg (NM_006599.4); c.811T>C, p.Cys271Arg (NM_138714.4, NM_173214.3, NM_173215.3); short protein forms C365R, C271R, C347R, C141R.
Identifiers: ClinVar variation 2003086 (VCV002003086.4), dbSNP rs1405963728, ClinGen allele CA396491131.
Genomic context (GRCh38, chr16:69,655,696, plus strand): 5'-TTGCAAGTGTTTGTGGGCAACGACTCTGGACGAGTGAAACCACATGGATTTTATCAGGCC[T>C]GCAGAGTAACTGGACGAAATACAACTCCTTGCAAAGAAGTGGACATTGAAGGCACTACTG-3'
Protein context (NP_619727.2, residues 355-375): RVKPHGFYQA[Cys365Arg]RVTGRNTTPC